The following is an entry in ClinVar:

NM_017841.4(SDHAF2):c.338G>C (p.Ser113Thr)

Gene: SDHAF2 (succinate dehydrogenase complex assembly factor 2; plus strand). Cytogenetic location: 11q12.2.
Variant type: single nucleotide variant.
Coding change: c.338G>C on transcript NM_017841.4 (MANE Select); coding-DNA position 338, G replaced by C.
Protein change: p.Ser113Thr; replaces serine 113 with threonine.
Molecular consequence: missense variant.
Genome position (GRCh38, 1-based): chr11:61,438,081, G>C. VCF-style: chr11-61438081-G-C. GRCh37 (hg19) VCF-style: chr11-61205553-G-C.
Other names: short protein forms S113T.
Identifiers: ClinVar variation 3438735 (VCV003438735.1).

ClinVar aggregate classification (germline): Uncertain significance (1 of 4 stars; one submission).

Conditions:
Hereditary cancer-predisposing syndrome. Also called: Tumor predisposition; Neoplastic Syndromes, Hereditary; Hereditary neoplastic syndrome; Hereditary Cancer Syndrome. Identifiers: Orphanet 140162, MedGen C0027672, MeSH D009386, MONDO:0015356.

Submission:

Ambry Genetics
Classification: Uncertain significance for Hereditary cancer-predisposing syndrome. Last evaluated: 2024-09-19. Review status: criteria provided, single submitter. Criteria: Ambry Variant Classification Scheme 2023. Collection method: clinical testing. Allele origin: germline.
Comment: The p.S113T variant (also known as c.338G>C), located in coding exon 3 of the SDHAF2 gene, results from a G to C substitution at nucleotide position 338. The serine at codon 113 is replaced by threonine, an amino acid with similar properties. This amino acid position is conserved. In addition, the in silico prediction for this alteration is inconclusive. Based on the available evidence, the clinical significance of this variant remains unclear.